The following is an entry in ClinVar:

ClinVar aggregate classification (germline): Conflicting classifications of pathogenicity. Review status: criteria provided, conflicting classifications (1 of 4 stars). 4 submissions from 4 submitters: Uncertain significance (3); Likely benign (1). Last evaluated 2026-09-16.

Conditions:
SLC17A8-related disorder. Also called: SLC17A8-related condition.

Submissions (4):

PreventionGenetics, part of Exact Sciences
Classification: Uncertain significance for SLC17A8-related condition. Last evaluated: 2026-09-16. Review status: criteria provided, single submitter. Criteria: ACMG Guidelines, 2015. Collection method: clinical testing. Allele origin: germline.
Comment: The SLC17A8 c.1689delA variant is predicted to result in a frameshift and premature protein termination (p.Gly564Aspfs*12). To our knowledge, this variant has not been reported in the literature. This variant is reported in 0.014% of alleles in individuals of Latino descent in gnomAD. Although we suspect that this variant may be benign, at this time, the clinical significance of this variant is uncertain due to the absence of conclusive functional and genetic evidence.

Labcorp Genetics (formerly Invitae), Labcorp
Classification: Uncertain significance. Last evaluated: 2024-09-15. Review status: criteria provided, single submitter. Criteria: Invitae Variant Classification Sherloc (09022015). Collection method: clinical testing. Allele origin: germline.
Comment: This sequence change creates a premature translational stop signal (p.Gly564Aspfs*12) in the SLC17A8 gene. While this is not anticipated to result in nonsense mediated decay, it is expected to disrupt the last 26 amino acid(s) of the SLC17A8 protein. This variant is present in population databases (rs757543449, gnomAD 0.01%). This variant has not been reported in the literature in individuals affected with SLC17A8-related conditions. ClinVar contains an entry for this variant (Variation ID: 1194885). In summary, the available evidence is currently insufficient to determine the role of this variant in disease. Therefore, it has been classified as a Variant of Uncertain Significance.

Blueprint Genetics
Classification: Likely benign. Last evaluated: 2024-07-14. Review status: criteria provided, single submitter. Criteria: ACMG Guidelines, 2015. Collection method: clinical testing. Allele origin: germline.

GeneDx
Classification: Uncertain significance. Last evaluated: 2020-02-12. Review status: criteria provided, single submitter. Criteria: GeneDx Variant Classification Process June 2021. Collection method: clinical testing. Allele origin: germline. Affected: yes.
Comment: Frameshift variant predicted to result in protein truncation as the last 26 amino acids are lost and replaced with 11 incorrect amino acids, although loss-of-function variants have not been reported downstream of this position in the protein; Has not been previously published as pathogenic or benign to our knowledge

NM_139319.3(SLC17A8):c.1689del (p.Gly564fs)

Gene: SLC17A8 (solute carrier family 17 member 8; plus strand). Cytogenetic location: 12q23.1.
Variant type: Deletion.
Coding change: c.1689del on transcript NM_139319.3 (MANE Select); coding-DNA position 1689, one base deleted (A; older notation c.1689delA).
Protein change: p.Gly564fs; shifts the reading frame from glycine 564.
Molecular consequence: frameshift variant.
Genome position (GRCh38, 1-based): chr12:100,420,078, A deleted; the last of 3 consecutive A bases (chr12:100,420,076-100,420,078); deleting any one gives the same sequence. VCF-style (leftmost placement, unchanged base first): chr12-100420075-GA-G. GRCh37 (hg19) VCF-style: chr12-100813853-GA-G.
Other names: c.1539del, p.Gly514fs (NM_001145288.2); short protein forms G514fs, G564fs.
Identifiers: ClinVar variation 1194885 (VCV001194885.7), dbSNP rs757543449, ClinGen allele CA6739081.
Genomic context (GRCh38, chr12:100,420,075, plus strand): 5'-CAAAAAGAAGATGTCTTATGGAGCCACCTCCCAGAATTGTGAAGTCCAGAAGAAGGAATG[GA>G]AAGGACAGAGAGGAGCGACCCTTGATGAGGAAGAGCTGACATCCTACCAGAATGAAGAGA-3'